The following is an entry in ClinVar:

NM_001458.5(FLNC):c.7178C>G (p.Pro2393Arg)

Genes: FLNC (filamin C; plus strand), FLNC-AS1 (FLNC antisense RNA 1; minus strand). Cytogenetic location: 7q32.1.
Variant type: single nucleotide variant.
Coding change: c.7178C>G on transcript NM_001458.5 (MANE Select); coding-DNA position 7178, C replaced by G.
Protein change: p.Pro2393Arg; replaces proline 2393 with arginine.
Molecular consequence: missense variant.
Genome position (GRCh38, 1-based): chr7:128,855,241, C>G. VCF-style: chr7-128855241-C-G. GRCh37 (hg19) VCF-style: chr7-128495295-C-G.
Other names: c.7079C>G, p.Pro2360Arg (NM_001127487.2); short protein forms P2360R, P2393R.
Identifiers: ClinVar variation 2132733 (VCV002132733.4), dbSNP rs2128939746, ClinGen allele CA369215714.

ClinVar aggregate classification (germline): Uncertain significance (1 of 4 stars; one submission).

Conditions:
Distal myopathy with posterior leg and anterior hand involvement. Also called: WILLIAMS DISTAL MYOPATHY. Identifiers: Orphanet 63273, MedGen C3279722, MONDO:0013550, OMIM 614065.
Hypertrophic cardiomyopathy 26. Also called: Cardiomyopathy, familial hypertrophic, 26. Identifiers: Orphanet 75249, MedGen C4310749, MONDO:0014883, OMIM 617047.
Myofibrillar myopathy 5. Also called: Filaminopathy (type); FILAMINOPATHY, AUTOSOMAL DOMINANT. Identifiers: Orphanet 171445, MedGen C1836050, MONDO:0012289, OMIM 609524.

Submission:

Labcorp Genetics (formerly Invitae), Labcorp
Classification: Uncertain significance for Distal myopathy with posterior leg and anterior hand involvement; Myofibrillar myopathy 5; Hypertrophic cardiomyopathy 26. Last evaluated: 2024-08-29. Review status: criteria provided, single submitter. Criteria: Invitae Variant Classification Sherloc (09022015). Collection method: clinical testing. Allele origin: germline.
Comment: This sequence change replaces proline, which is neutral and non-polar, with arginine, which is basic and polar, at codon 2393 of the FLNC protein (p.Pro2393Arg). This variant is not present in population databases (gnomAD no frequency). This variant has not been reported in the literature in individuals affected with FLNC-related conditions. ClinVar contains an entry for this variant (Variation ID: 2132733). Invitae Evidence Modeling of protein sequence and biophysical properties (such as structural, functional, and spatial information, amino acid conservation, physicochemical variation, residue mobility, and thermodynamic stability) indicates that this missense variant is not expected to disrupt FLNC protein function with a negative predictive value of 95%. In summary, the available evidence is currently insufficient to determine the role of this variant in disease. Therefore, it has been classified as a Variant of Uncertain Significance.